The following is an entry in ClinVar:

NM_004839.4(HOMER2):c.696G>C (p.Lys232Asn)

Gene: HOMER2 (homer scaffold protein 2; minus strand). Cytogenetic location: 15q25.2.
Variant type: single nucleotide variant.
Coding change: c.696G>C on transcript NM_004839.4 (MANE Select); coding-DNA position 696, G replaced by C.
Protein change: p.Lys232Asn; replaces lysine 232 with asparagine.
Molecular consequence: missense variant.
Genome position (GRCh38, 1-based): chr15:82,852,208, C>G on the plus strand (G>C on the coding strand, the complement: HOMER2 is on the minus strand). VCF-style: chr15-82852208-C-G. GRCh37 (hg19) VCF-style: chr15-83520960-C-G.
Other names: c.729G>C, p.Lys243Asn (NM_199330.3); short protein forms K243N, K232N.
Identifiers: ClinVar variation 3658446 (VCV003658446.2).

ClinVar aggregate classification (germline): Uncertain significance (1 of 4 stars; one submission).

Submission:

Labcorp Genetics (formerly Invitae), Labcorp
Classification: Uncertain significance. Last evaluated: 2024-07-02. Review status: criteria provided, single submitter. Criteria: Invitae Variant Classification Sherloc (09022015). Collection method: clinical testing. Allele origin: germline.
Comment: This sequence change replaces lysine, which is basic and polar, with asparagine, which is neutral and polar, at codon 232 of the HOMER2 protein (p.Lys232Asn). This variant is not present in population databases (gnomAD no frequency). This variant has not been reported in the literature in individuals affected with HOMER2-related conditions. An algorithm developed to predict the effect of missense changes on protein structure and function (PolyPhen-2) suggests that this variant is likely to be tolerated. In summary, the available evidence is currently insufficient to determine the role of this variant in disease. Therefore, it has been classified as a Variant of Uncertain Significance.